The following is an entry in ClinVar:

NM_004789.4(LHX2):c.182_187delinsACCT (p.Ser61fs)

Gene: LHX2 (LIM homeobox 2; plus strand). Cytogenetic location: 9q33.3.
Variant type: Indel.
Coding change: c.182_187delinsACCT on transcript NM_004789.4 (MANE Select); coding-DNA positions 182 to 187, CGGACC replaced by ACCT.
Protein change: p.Ser61fs; shifts the reading frame from serine 61.
Molecular consequence: frameshift variant.
Genome position (GRCh38, 1-based): chr9:124,014,022-124,014,027, CGGACC replaced by ACCT. VCF-style: chr9-124014022-CGGACC-ACCT. GRCh37 (hg19) VCF-style: chr9-126776301-CGGACC-ACCT.
Other names: short protein forms S61fs.
Identifiers: ClinVar variation 2572331 (VCV002572331.1), dbSNP rs2540147394, ClinGen allele CA2580616299.
Genomic context (GRCh38, chr9:124,014,022, plus strand): 5'-CCATGCCGTCCATCAGCAGTGACCGCGCCGCGCTGTGCGCCGGCTGCGGGGGCAAGATCT[CGGACC>ACCT]GCTACTACCTGCTGGCGGTGGACAAGCAGTGGCACATGCGCTGCCTCAAGTGCTGCGAGT-3'

ClinVar aggregate classification (germline): Likely pathogenic (1 of 4 stars; one submission).

Conditions:
Variable neurodevelopmental disorder.

Submission:

Greenwood Genetic Center Diagnostic Laboratories, Greenwood Genetic Center
Classification: Likely pathogenic for Variable neurodevelopmental disorder. Last evaluated: 2023-04-14. Review status: criteria provided, single submitter. Criteria: ACMG Guidelines, 2015. Collection method: clinical testing. Allele origin: germline. Affected: yes.
Comment: PVS1, PM2